The following is an entry in ClinVar:

ClinVar aggregate classification (germline): Uncertain significance. Review status: criteria provided, multiple submitters, no conflicts (2 of 4 stars). 2 submissions from 2 submitters: Uncertain significance (2). Last evaluated 2025-03-05.

Conditions:
Inborn genetic diseases. Identifiers: MedGen C0950123, MeSH D030342.
Achondrogenesis, type IA (ACG1A). Identifiers: Orphanet 932, Orphanet 93299, MedGen C0265273, MONDO:0008701, OMIM 200600.

Allele frequency attached by ClinVar (database versions not stated): gnomAD exomes below 0.00001; ExAC 0.00003; gnomAD 0.00005; ESP Exome Variant Server 0.00008; TOPMed 0.00012.

Submissions (2):

Ambry Genetics
Classification: Uncertain significance for Inborn genetic diseases. Last evaluated: 2025-03-05. Review status: criteria provided, single submitter. Criteria: Ambry Variant Classification Scheme 2023. Collection method: clinical testing. Allele origin: germline.

Labcorp Genetics (formerly Invitae), Labcorp
Classification: Uncertain significance for Achondrogenesis, type IA. Last evaluated: 2022-06-13. Review status: criteria provided, single submitter. Criteria: Invitae Variant Classification Sherloc (09022015). Collection method: clinical testing. Allele origin: germline.
Comment: In summary, the available evidence is currently insufficient to determine the role of this variant in disease. Therefore, it has been classified as a Variant of Uncertain Significance. Algorithms developed to predict the effect of missense changes on protein structure and function are either unavailable or do not agree on the potential impact of this missense change (SIFT: "Not Available"; PolyPhen-2: "Possibly Damaging"; Align-GVGD: "Not Available"). This variant has not been reported in the literature in individuals affected with TRIP11-related conditions. This variant is present in population databases (rs370711384, gnomAD 0.03%). This sequence change replaces aspartic acid, which is acidic and polar, with alanine, which is neutral and non-polar, at codon 1762 of the TRIP11 protein (p.Asp1762Ala).

NM_004239.4(TRIP11):c.5285A>C (p.Asp1762Ala)

Gene: TRIP11 (thyroid hormone receptor interactor 11; minus strand). Cytogenetic location: 14q32.12.
Variant type: single nucleotide variant.
Coding change: c.5285A>C on transcript NM_004239.4 (MANE Select); coding-DNA position 5285, A replaced by C.
Protein change: p.Asp1762Ala; replaces aspartic acid 1762 with alanine.
Molecular consequence: missense variant.
Genome position (GRCh38, 1-based): chr14:91,976,165, T>G on the plus strand (A>C on the coding strand, the complement: TRIP11 is on the minus strand). VCF-style: chr14-91976165-T-G. GRCh37 (hg19) VCF-style: chr14-92442509-T-G.
Other names: c.5285A>C (NM_004239.3); c.5282A>C, p.Asp1761Ala (NM_001321851.1); short protein forms D1761A, D1762A.
Identifiers: ClinVar variation 2166358 (VCV002166358.4), dbSNP rs370711384, ClinGen allele CA7313207.
Genomic context (GRCh38, chr14:91,976,165, plus strand): 5'-TACTTGTCTACTTTTCCTTCTGAGCTGTTTGCTAAGCTCATCAATTTCTTTTGTACATCA[T>G]CCAGCATTTCTTGTCGGAGCTCATCTGTTGTAAAATATGTGAATAAAGATAGCCATTAAC-3'
Protein context (NP_004230.2, residues 1752-1772): RQNELRQEML[Asp1762Ala]DVQKKLMSLA